The following is an entry in ClinVar:

NM_000400.4(ERCC2):c.229G>C (p.Val77Leu)

Gene: ERCC2 (ERCC excision repair 2, TFIIH core complex helicase subunit; minus strand). Cytogenetic location: 19q13.32.
Variant type: single nucleotide variant.
Coding change: c.229G>C on transcript NM_000400.4 (MANE Select); coding-DNA position 229, G replaced by C.
Protein change: p.Val77Leu; replaces valine 77 with leucine.
Molecular consequence: missense variant.
Genome position (GRCh38, 1-based): chr19:45,368,947, C>G on the plus strand (G>C on the coding strand, the complement: ERCC2 is on the minus strand). VCF-style: chr19-45368947-C-G. GRCh37 (hg19) VCF-style: chr19-45872205-C-G.
Other names: c.157G>C, p.Val53Leu (NM_001130867.2); short protein forms V53L, V77L.
Identifiers: ClinVar variation 1789238 (VCV001789238.3), dbSNP rs866646197, ClinGen allele CA406379154.

ClinVar aggregate classification (germline): Uncertain significance (1 of 4 stars; one submission).

Conditions:
Inborn genetic diseases. Identifiers: MedGen C0950123, MeSH D030342.

Allele frequency attached by ClinVar (database versions not stated): gnomAD 0.00001; TOPMed 0.00001.
gnomAD v4.1: 5 of 1,614,084 alleles (0.00031%); highest among the groups gnomAD compares: Non-Finnish European, 0.00042%; no homozygotes.

Submission:

Ambry Genetics
Classification: Uncertain significance for Inborn genetic diseases. Last evaluated: 2024-08-20. Review status: criteria provided, single submitter. Criteria: Ambry Variant Classification Scheme 2023. Collection method: clinical testing. Allele origin: germline.
Comment: The p.V77L variant (also known as c.229G>C), located in coding exon 4 of the ERCC2 gene, results from a G to C substitution at nucleotide position 229. The valine at codon 77 is replaced by leucine, an amino acid with highly similar properties. This amino acid position is conserved. In addition, the in silico prediction for this alteration is inconclusive. Since supporting evidence is limited at this time, the clinical significance of this alteration remains unclear.